The following is an entry in ClinVar:

ClinVar aggregate classification (germline): Conflicting classifications of pathogenicity. Review status: criteria provided, conflicting classifications (1 of 4 stars). 2 submissions from 2 submitters: Uncertain significance (1); Likely benign (1). Last evaluated 2026-04-17.

Conditions:
Renal cell carcinoma. Identifiers: Orphanet 217071, MedGen C0007134, MeSH D002292, MONDO:0005086, HP:0005584.
Hereditary cancer-predisposing syndrome. Also called: Hereditary neoplastic syndrome; Tumor predisposition; Hereditary Cancer Syndrome; Neoplastic Syndromes, Hereditary. Identifiers: Orphanet 140162, MedGen C0027672, MeSH D009386, MONDO:0015356.

Submissions (2):

Ambry Genetics
Classification: Likely benign for Hereditary cancer-predisposing syndrome. Last evaluated: 2026-04-17. Review status: criteria provided, single submitter. Criteria: Ambry Variant Classification Scheme 2023. Collection method: clinical testing. Allele origin: germline.

Labcorp Genetics (formerly Invitae), Labcorp
Classification: Uncertain significance for Renal cell carcinoma. Last evaluated: 2024-02-07. Review status: criteria provided, single submitter. Criteria: Invitae Variant Classification Sherloc (09022015). Collection method: clinical testing. Allele origin: germline.
Comment: This sequence change replaces glycine, which is neutral and non-polar, with glutamic acid, which is acidic and polar, at codon 554 of the MET protein (p.Gly554Glu). This variant is not present in population databases (gnomAD no frequency). This variant has not been reported in the literature in individuals affected with MET-related conditions. Advanced modeling of protein sequence and biophysical properties (such as structural, functional, and spatial information, amino acid conservation, physicochemical variation, residue mobility, and thermodynamic stability) performed at Invitae indicates that this missense variant is not expected to disrupt MET protein function with a negative predictive value of 80%. In summary, the available evidence is currently insufficient to determine the role of this variant in disease. Therefore, it has been classified as a Variant of Uncertain Significance.

NM_000245.4(MET):c.1661G>A (p.Gly554Glu)

Gene: MET (MET proto-oncogene, receptor tyrosine kinase; plus strand). Cytogenetic location: 7q31.2.
Variant type: single nucleotide variant.
Coding change: c.1661G>A on transcript NM_000245.4 (MANE Select); coding-DNA position 1661, G replaced by A.
Protein change: p.Gly554Glu; replaces glycine 554 with glutamic acid.
Molecular consequence: missense variant.
Genome position (GRCh38, 1-based): chr7:116,740,985, G>A. VCF-style: chr7-116740985-G-A. GRCh37 (hg19) VCF-style: chr7-116381039-G-A.
Other names: c.1661G>A, p.Gly554Glu (NM_001127500.3, NM_001324401.3); c.371G>A, p.Gly124Glu (NM_001324402.2); short protein forms G124E, G554E.
Identifiers: ClinVar variation 3639403 (VCV003639403.4).